The following is an entry in ClinVar:

NM_001040142.2(SCN2A):c.100G>A (p.Ala34Thr)

Gene: SCN2A (sodium voltage-gated channel alpha subunit 2; plus strand). Cytogenetic location: 2q24.3.
Variant type: single nucleotide variant.
Coding change: c.100G>A on transcript NM_001040142.2 (MANE Select); coding-DNA position 100, G replaced by A.
Protein change: p.Ala34Thr; replaces alanine 34 with threonine.
Molecular consequence: missense variant.
Genome position (GRCh38, 1-based): chr2:165,295,923, G>A. VCF-style: chr2-165295923-G-A. GRCh37 (hg19) VCF-style: chr2-166152433-G-A.
Other names: p.A34T:GCT>ACT; c.100G>A, p.Ala34Thr (NM_001040143.2, NM_001371246.1, NM_001371247.1 and 1 more transcripts); short protein forms A34T.
Identifiers: ClinVar variation 207034 (VCV000207034.53), dbSNP rs144814658, ClinGen allele CA318063.

ClinVar aggregate classification (germline): Conflicting classifications of pathogenicity. Review status: criteria provided, conflicting classifications (1 of 4 stars). 10 submissions from 10 submitters: Uncertain significance (2); Benign (3); Likely benign (4). 1 of the submissions does not count toward it. Last evaluated 2026-05-01.

Conditions:
SCN2A-related disorder. Also called: SCN2A-related condition; SCN2A-related disorders. Identifiers: MedGen CN382226, MONDO:1060245.
Developmental and epileptic encephalopathy, 11 (DEE11). Also called: Early infantile epileptic encephalopathy 11. Identifiers: Orphanet 1934, MedGen C3150987, MONDO:0013388, OMIM 613721.
Seizures, benign familial infantile, 3 (BFIS3). Also called: CONVULSIONS, BENIGN FAMILIAL INFANTILE, 3; Familial neonatal seizures. Identifiers: Orphanet 140927, Orphanet 306, MedGen C1843140, MONDO:0011904, OMIM 607745.
Inborn genetic diseases. Identifiers: MedGen C0950123, MeSH D030342.

Allele frequency attached by ClinVar (database versions not stated): 1000 Genomes Project 0.00020; gnomAD exomes 0.00056 and 0.00069; gnomAD 0.00058 and 0.00063; TOPMed 0.00063; ESP Exome Variant Server 0.00069; ExAC 0.00074; 1000 Genomes Project 30x 0.00016.
gnomAD v4.1: 953 of 1,614,094 alleles (0.059%); highest among the groups gnomAD compares: Admixed American, 0.087%; 1 homozygote.

Submissions (10):

CeGaT Center for Human Genetics Tuebingen
Classification: Likely benign. Last evaluated: 2026-05-01. Review status: criteria provided, single submitter. Criteria: CeGaT Center For Human Genetics Tuebingen Variant Classification Criteria Version 2. Collection method: clinical testing. Allele origin: germline. Affected: yes. Observed: 5 variant alleles.
Comment: SCN2A: BS1

Labcorp Genetics (formerly Invitae), Labcorp
Classification: Likely benign for Seizures, benign familial infantile, 3; Developmental and epileptic encephalopathy, 11. Last evaluated: 2025-12-30. Review status: criteria provided, single submitter. Criteria: Invitae Variant Classification Sherloc (09022015). Collection method: clinical testing. Allele origin: germline.

Blueprint Genetics
Classification: Likely benign. Last evaluated: 2024-11-20. Review status: criteria provided, single submitter. Criteria: ACMG Guidelines, 2015. Collection method: clinical testing. Allele origin: germline.

GeneDx
Classification: Benign. Last evaluated: 2019-10-25. Review status: criteria provided, single submitter. Criteria: GeneDx Variant Classification Process June 2021. Collection method: clinical testing. Allele origin: germline. Affected: yes.
Comment: This variant is associated with the following publications: (PMID: 22581653)

Athena Diagnostics
Classification: Benign. Last evaluated: 2018-12-28. Review status: criteria provided, single submitter. Criteria: Athena Diagnostics Criteria. Collection method: clinical testing. Allele origin: germline.

Ambry Genetics
Classification: Likely benign for Inborn genetic diseases. Last evaluated: 2018-07-06. Review status: criteria provided, single submitter. Criteria: Ambry Variant Classification Scheme 2023. Collection method: clinical testing. Allele origin: germline.

Illumina Laboratory Services, Illumina
Classification: Benign for Seizures, benign familial infantile, 3. Last evaluated: 2018-01-12. Review status: criteria provided, single submitter. Criteria: ICSL Variant Classification Criteria 13 December 2019. Collection method: clinical testing. Allele origin: germline.
Comment: This variant was observed in the ICSL laboratory as part of a predisposition screen in an ostensibly healthy population. It had not been previously curated by ICSL or reported in the Human Gene Mutation Database (HGMD: prior to June 1st, 2018), and was therefore a candidate for classification through an automated scoring system. Utilizing variant allele frequency, disease prevalence and penetrance estimates, and inheritance mode, an automated score was calculated to assess if this variant is too frequent to cause the disease. Based on the score and internal cut-off values, a variant classified as benign is not then subjected to further curation. The score for this variant resulted in a classification of benign for this disease.

Eurofins Ntd Llc (ga)
Classification: Uncertain significance. Last evaluated: 2016-02-26. Review status: criteria provided, single submitter. Criteria: EGL Classification Definitions 2015. Collection method: clinical testing. Allele origin: germline. Observed: 1 variant allele, 1 heterozygote.

Genetic Services Laboratory, University of Chicago
Classification: Uncertain significance. Last evaluated: 2015-06-29. Review status: criteria provided, single submitter. Criteria: ACMG Guidelines, 2015. Collection method: clinical testing. Allele origin: germline.

PreventionGenetics, part of Exact Sciences
Classification: Benign for SCN2A-related condition. Last evaluated: 2019-09-11. Review status: no assertion criteria provided. Collection method: clinical testing. Allele origin: germline. Not counted in ClinVar's aggregate classification.
Comment: This variant is classified as benign based on ACMG/AMP sequence variant interpretation guidelines (Richards et al. 2015 PMID: 25741868, with internal and published modifications).